The following is an entry in ClinVar:

NM_015450.3(POT1):c.971A>G (p.Tyr324Cys)

Gene: POT1 (protection of telomeres 1; minus strand). Cytogenetic location: 7q31.33.
Variant type: single nucleotide variant.
Coding change: c.971A>G on transcript NM_015450.3 (MANE Select); coding-DNA position 971, A replaced by G.
Protein change: p.Tyr324Cys; replaces tyrosine 324 with cysteine.
Molecular consequence: missense variant. On other transcripts: non-coding transcript variant (3).
Genome position (GRCh38, 1-based): chr7:124,846,977, T>C on the plus strand (A>G on the coding strand, the complement: POT1 is on the minus strand). VCF-style: chr7-124846977-T-C. GRCh37 (hg19) VCF-style: chr7-124487031-T-C.
Other names: c.578A>G, p.Tyr193Cys (NM_001042594.2); short protein forms Y324C, Y193C.
Identifiers: ClinVar variation 2202061 (VCV002202061.4), dbSNP rs2485418543, ClinGen allele CA369053797.

ClinVar aggregate classification (germline): Uncertain significance (1 of 4 stars; one submission).

Conditions:
Tumor predisposition syndrome 3 (TPDS3). Also called: Melanoma, cutaneous malignant, susceptibility to, 10; Glioma susceptibility 9; LONG TELOMERE SYNDROME, POT1-RELATED; POT1 Tumor Predisposition. Identifiers: Orphanet 618, MedGen C4014476, MONDO:0014368, OMIM 615848.

Submission:

Labcorp Genetics (formerly Invitae), Labcorp
Classification: Uncertain significance for Tumor predisposition syndrome 3. Last evaluated: 2021-12-11. Review status: criteria provided, single submitter. Criteria: Invitae Variant Classification Sherloc (09022015). Collection method: clinical testing. Allele origin: germline.
Comment: This variant has not been reported in the literature in individuals affected with POT1-related conditions. In summary, the available evidence is currently insufficient to determine the role of this variant in disease. Therefore, it has been classified as a Variant of Uncertain Significance. Algorithms developed to predict the effect of missense changes on protein structure and function output the following: SIFT: "Tolerated"; PolyPhen-2: "Benign"; Align-GVGD: "Class C0". The cysteine amino acid residue is found in multiple mammalian species, which suggests that this missense change does not adversely affect protein function. This variant is not present in population databases (gnomAD no frequency). This sequence change replaces tyrosine, which is neutral and polar, with cysteine, which is neutral and slightly polar, at codon 324 of the POT1 protein (p.Tyr324Cys).